The following is an entry in ClinVar:

ClinVar aggregate classification (germline): Conflicting classifications of pathogenicity. Review status: criteria provided, conflicting classifications (1 of 4 stars). 7 submissions from 6 submitters: Uncertain significance (1); Benign (6). Last evaluated 2026-01-29.

Conditions:
Osteogenesis imperfecta (OI). Identifiers: Orphanet 666, MedGen C0029434, MeSH D010013, MONDO:0019019.
Osteogenesis imperfecta type 8 (OI8). Identifiers: MedGen C1970458, MONDO:0012581, OMIM 610915.
Osteogenesis Imperfecta, Recessive.

Allele frequency attached by ClinVar (database versions not stated): gnomAD exomes 0.00146 and 0.00396; ExAC 0.00460; ESP Exome Variant Server 0.01476; gnomAD 0.01480 and 0.01579; TOPMed 0.01663; 1000 Genomes Project 0.01757; 1000 Genomes Project 30x 0.01889.
gnomAD v4.1: 4,470 of 1,611,898 alleles (0.28%); highest among the groups gnomAD compares: African/African-American, 5.2%; 114 homozygotes.

Submissions (7):

Labcorp Genetics (formerly Invitae), Labcorp
Classification: Benign for Osteogenesis imperfecta type 8. Last evaluated: 2026-01-29. Review status: criteria provided, single submitter. Criteria: Invitae Variant Classification Sherloc (09022015). Collection method: clinical testing. Allele origin: germline.

ARUP Laboratories, Molecular Genetics and Genomics, ARUP Laboratories
Classification: Benign for Osteogenesis imperfecta type 8. Last evaluated: 2024-12-27. Review status: criteria provided, single submitter. Criteria: ARUP Molecular Germline Variant Investigation Process 2024. Collection method: clinical testing. Allele origin: germline.

Mayo Clinic Laboratories, Mayo Clinic
Classification: Benign. Last evaluated: 2023-03-12. Review status: criteria provided, single submitter. Criteria: ACMG Guidelines, 2015. Collection method: clinical testing. Allele origin: germline. Observed: 4 variant alleles.

Genome Diagnostics Laboratory, The Hospital for Sick Children
Classification: Benign for Osteogenesis imperfecta. Last evaluated: 2021-09-13. Review status: criteria provided, single submitter. Criteria: ACMG Guidelines, 2015. Collection method: clinical testing. Allele origin: germline.

Illumina Laboratory Services, Illumina
Classification: Benign for Osteogenesis imperfecta type 8. Last evaluated: 2018-01-12. Review status: criteria provided, single submitter. Criteria: ICSL Variant Classification Criteria 13 December 2019. Collection method: clinical testing. Allele origin: germline.
Comment: This variant was observed in the ICSL laboratory as part of a predisposition screen in an ostensibly healthy population. It had not been previously curated by ICSL or reported in the Human Gene Mutation Database (HGMD: prior to June 1st, 2018), and was therefore a candidate for classification through an automated scoring system. Utilizing variant allele frequency, disease prevalence and penetrance estimates, and inheritance mode, an automated score was calculated to assess if this variant is too frequent to cause the disease. Based on the score and internal cut-off values, a variant classified as benign is not then subjected to further curation. The score for this variant resulted in a classification of benign for this disease.

Illumina Laboratory Services, Illumina
Classification: Uncertain significance for Osteogenesis Imperfecta, Recessive. Last evaluated: 2017-04-27. Review status: criteria provided, single submitter. Criteria: ICSL Variant Classification Criteria 13 December 2019. Collection method: clinical testing. Allele origin: germline.

GeneDx
Classification: Benign. Last evaluated: 2016-10-10. Review status: criteria provided, single submitter. Criteria: GeneDx Variant Classification (06012015). Collection method: clinical testing. Allele origin: germline. Affected: yes.
Comment: This variant is considered likely benign or benign based on one or more of the following criteria: it is a conservative change, it occurs at a poorly conserved position in the protein, it is predicted to be benign by multiple in silico algorithms, and/or has population frequency not consistent with disease.

NM_022356.4(P3H1):c.1569+3A>G

Gene: P3H1 (prolyl 3-hydroxylase 1; minus strand). Cytogenetic location: 1p34.2.
Variant type: single nucleotide variant.
Coding change: c.1569+3A>G on transcript NM_022356.4 (MANE Select); 3 bases into the intron after coding-DNA position 1569, A replaced by G.
Molecular consequence: intron variant.
Genome position (GRCh38, 1-based): chr1:42,752,271, T>C on the plus strand (A>G on the coding strand, the complement: P3H1 is on the minus strand). VCF-style: chr1-42752271-T-C. GRCh37 (hg19) VCF-style: chr1-43217942-T-C.
Other names: p.?; c.1569+3A>G (NM_001146289.2, NM_001243246.2).
Identifiers: ClinVar variation 379770 (VCV000379770.29), dbSNP rs76871760, ClinGen allele CA801796.
Genomic context (GRCh38, chr1:42,752,271, plus strand): 5'-GCCTGAGCTTCCCCCTTCCCCACCCCTTTCTCCACACTCTAGAATGCCCAGTGTTGATCT[T>C]ACCTTGAGGGCTTTGAAGACAGTGACACCATAGAACTTTTCATTGGGAGTATGTGGGGAG-3'